The following is an entry in ClinVar:

NM_006031.6(PCNT):c.8797_8798insT (p.Gln2933fs)

Gene: PCNT (pericentrin; plus strand). Cytogenetic location: 21q22.3.
Variant type: Insertion.
Coding change: c.8797_8798insT on transcript NM_006031.6 (MANE Select); coding-DNA positions 8797 to 8798, T inserted.
Protein change: p.Gln2933fs; shifts the reading frame from glutamine 2933.
Molecular consequence: frameshift variant.
Genome position: GRCh38 VCF-style: chr21-46435949-C-CT. GRCh37 (hg19) VCF-style: chr21-47855862-C-CT.
Other names: c.8206_8207insT, p.Gln2736fs (NM_001315529.2); short protein forms Q2933fs, Q2736fs.
Identifiers: ClinVar variation 3675114 (VCV003675114.2).
Genomic context (GRCh38, chr21:46,435,949, plus strand): 5'-TTCTGTTAACAACAGCGAGAATTAGAACTGCAGCGTCAGCGTGACTTGCATAAGATCAAG[C>CT]AGCTTCAGCAGACAGTGAGAGACCTGGAGTCGAAGGACGAGGTGCCTGGCAGCCGCCTCC-3'

ClinVar aggregate classification (germline): Pathogenic (1 of 4 stars; one submission).

Submission:

Labcorp Genetics (formerly Invitae), Labcorp
Classification: Pathogenic. Last evaluated: 2024-12-04. Review status: criteria provided, single submitter. Criteria: Invitae Variant Classification Sherloc (09022015). Collection method: clinical testing. Allele origin: germline.
Comment: This sequence change creates a premature translational stop signal (p.Gln2933Leufs*70) in the PCNT gene. It is expected to result in an absent or disrupted protein product. Loss-of-function variants in PCNT are known to be pathogenic (PMID: 18174396, 22821869). This variant is not present in population databases (gnomAD no frequency). This variant has not been reported in the literature in individuals affected with PCNT-related conditions. For these reasons, this variant has been classified as Pathogenic.

Literature cited by the submitters: PubMed 18174396; PubMed 22821869.